The following is an entry in ClinVar:

NM_001031710.3(KLHL7):c.416A>G (p.Glu139Gly)

Gene: KLHL7 (kelch like family member 7; plus strand). Cytogenetic location: 7p15.3.
Variant type: single nucleotide variant.
Coding change: c.416A>G on transcript NM_001031710.3 (MANE Select); coding-DNA position 416, A replaced by G.
Protein change: p.Glu139Gly; replaces glutamic acid 139 with glycine.
Molecular consequence: missense variant. On other transcripts: non-coding transcript variant (2).
Genome position (GRCh38, 1-based): chr7:23,125,146, A>G. VCF-style: chr7-23125146-A-G. GRCh37 (hg19) VCF-style: chr7-23164765-A-G.
Other names: c.416A>G, p.Glu139Gly (NM_001172428.2); c.272A>G, p.Glu91Gly (NM_018846.5); short protein forms E91G, E139G.
Identifiers: ClinVar variation 911034 (VCV000911034.10), dbSNP rs369829959, ClinGen allele CA4186379.

ClinVar aggregate classification (germline): Uncertain significance. Review status: criteria provided, multiple submitters, no conflicts (2 of 4 stars). 4 submissions from 4 submitters: Uncertain significance (4). Last evaluated 2025-01-11.

Conditions:
KLHL7-related disorder. Also called: KLHL7-related condition; KLHL7-related disorders.
Retinitis pigmentosa (RP). Identifiers: Orphanet 791, MedGen C0035334, MeSH D012174, MONDO:0019200, OMIM 268000. Inheritance: Autosomal dominant, autosomal recessive and X linked inheritance.
Inborn genetic diseases. Identifiers: MedGen C0950123, MeSH D030342.

Allele frequency attached by ClinVar (database versions not stated): ExAC 0.00001; gnomAD 0.00001; gnomAD exomes 0.00001; TOPMed 0.00001; ESP Exome Variant Server 0.00008.
gnomAD v4.1: 6 of 1,613,486 alleles (0.00037%); highest among the groups gnomAD compares: Non-Finnish European, 0.00042%; no homozygotes.

Submissions (4):

PreventionGenetics, part of Exact Sciences
Classification: Uncertain significance for KLHL7-related condition. Last evaluated: 2025-01-11. Review status: criteria provided, single submitter. Criteria: ACMG Guidelines, 2015. Collection method: clinical testing. Allele origin: germline.
Comment: The KLHL7 c.416A>G variant is predicted to result in the amino acid substitution p.Glu139Gly. To our knowledge, this variant has not been reported in the literature. This variant is reported in 0.0018% of alleles in individuals of European (Non-Finnish) descent in gnomAD. At this time, the clinical significance of this variant is uncertain due to the absence of conclusive functional and genetic evidence.

Ambry Genetics
Classification: Uncertain significance for Inborn genetic diseases. Last evaluated: 2024-01-31. Review status: criteria provided, single submitter. Criteria: Ambry Variant Classification Scheme 2023. Collection method: clinical testing. Allele origin: germline.

Labcorp Genetics (formerly Invitae), Labcorp
Classification: Uncertain significance. Last evaluated: 2022-04-04. Review status: criteria provided, single submitter. Criteria: Invitae Variant Classification Sherloc (09022015). Collection method: clinical testing. Allele origin: germline.
Comment: In summary, the available evidence is currently insufficient to determine the role of this variant in disease. Therefore, it has been classified as a Variant of Uncertain Significance. Algorithms developed to predict the effect of missense changes on protein structure and function (SIFT, PolyPhen-2, Align-GVGD) all suggest that this variant is likely to be tolerated. ClinVar contains an entry for this variant (Variation ID: 911034). This variant has not been reported in the literature in individuals affected with KLHL7-related conditions. This variant is present in population databases (rs369829959, gnomAD 0.002%). This sequence change replaces glutamic acid, which is acidic and polar, with glycine, which is neutral and non-polar, at codon 139 of the KLHL7 protein (p.Glu139Gly).

Illumina Laboratory Services, Illumina
Classification: Uncertain significance for Retinitis pigmentosa. Last evaluated: 2018-01-13. Review status: criteria provided, single submitter. Criteria: ICSL Variant Classification Criteria 13 December 2019. Collection method: clinical testing. Allele origin: germline.